The following is an entry in ClinVar:

NM_001105247.2(ARMC5):c.1264G>A (p.Gly422Ser)

Gene: ARMC5 (armadillo repeat containing 5; plus strand). Cytogenetic location: 16p11.2.
Variant type: single nucleotide variant.
Coding change: c.1264G>A on transcript NM_001105247.2 (MANE Select); coding-DNA position 1264, G replaced by A.
Protein change: p.Gly422Ser; replaces glycine 422 with serine.
Molecular consequence: missense variant.
Genome position (GRCh38, 1-based): chr16:31,462,811, G>A. VCF-style: chr16-31462811-G-A. GRCh37 (hg19) VCF-style: chr16-31474132-G-A.
Other names: c.1549G>A, p.Gly517Ser (NM_001288767.2); c.1360G>A, p.Gly454Ser (NM_001301820.1); c.1264G>A, p.Gly422Ser (NM_024742.2); short protein forms G454S, G517S, G422S.
Identifiers: ClinVar variation 4979840 (VCV004979840.1).

ClinVar aggregate classification (germline): Likely benign (1 of 4 stars; one submission).

Conditions:
ARMC5-related disorder. Also called: ARMC5-related condition.

gnomAD v4.1: 294 of 1,613,932 alleles (0.018%); highest among the groups gnomAD compares: South Asian, 0.082%; no homozygotes.

Submission:

PreventionGenetics, part of Exact Sciences
Classification: Likely benign for ARMC5-related condition. Last evaluated: 2026-09-23. Review status: criteria provided, single submitter. Criteria: ACMG Guidelines, 2015. Collection method: clinical testing. Allele origin: germline.
Comment: This variant is classified as likely benign based on ACMG/AMP sequence variant interpretation guidelines (Richards et al. 2015 PMID: 25741868, with internal and published modifications).